The following is an entry in ClinVar:

NM_001378964.1(CDON):c.1568A>G (p.Asn523Ser)

Gene: CDON (cell adhesion associated, oncogene regulated; minus strand). Cytogenetic location: 11q24.2.
Variant type: single nucleotide variant.
Coding change: c.1568A>G on transcript NM_001378964.1 (MANE Select); coding-DNA position 1568, A replaced by G.
Protein change: p.Asn523Ser; replaces asparagine 523 with serine.
Molecular consequence: missense variant.
Genome position (GRCh38, 1-based): chr11:126,006,042, T>C on the plus strand (A>G on the coding strand, the complement: CDON is on the minus strand). VCF-style: chr11-126006042-T-C. GRCh37 (hg19) VCF-style: chr11-125875937-T-C.
Other names: c.1568A>G, p.Asn523Ser (NM_001243597.3, NM_016952.6); short protein forms N523S.
Identifiers: ClinVar variation 2636379 (VCV002636379.1), dbSNP rs1035052219, ClinGen allele CA230540516.

ClinVar aggregate classification (germline): Uncertain significance (1 of 4 stars; one submission).

Conditions:
CDON-related disorder. Also called: CDON-related condition.

gnomAD v4.1: 7 of 1,613,962 alleles (0.00043%); highest among the groups gnomAD compares: Non-Finnish European, 0.00059%; no homozygotes.

Submission:

PreventionGenetics, part of Exact Sciences
Classification: Uncertain significance for CDON-related condition. Last evaluated: 2022-08-28. Review status: criteria provided, single submitter. Criteria: ACMG Guidelines, 2015. Collection method: clinical testing. Allele origin: germline.
Comment: The CDON c.1568A>G variant is predicted to result in the amino acid substitution p.Asn523Ser. To our knowledge, this variant has not been reported in the literature or in a large population database, indicating this variant is rare. At this time, the clinical significance of this variant is uncertain due to the absence of conclusive functional and genetic evidence.